The following is an entry in ClinVar:

ClinVar aggregate classification (germline): Uncertain significance (1 of 4 stars; one submission).

Allele frequency attached by ClinVar (database versions not stated): gnomAD exomes below 0.00001.
gnomAD v4.1: 2 of 1,614,238 alleles (0.00012%); highest among the groups gnomAD compares: Non-Finnish European, 0.00017%; no homozygotes.

Submission:

Labcorp Genetics (formerly Invitae), Labcorp
Classification: Uncertain significance. Last evaluated: 2023-05-22. Review status: criteria provided, single submitter. Criteria: Invitae Variant Classification Sherloc (09022015). Collection method: clinical testing. Allele origin: germline.
Comment: Advanced modeling of protein sequence and biophysical properties (such as structural, functional, and spatial information, amino acid conservation, physicochemical variation, residue mobility, and thermodynamic stability) performed at Invitae indicates that this missense variant is not expected to disrupt SLC25A12 protein function. ClinVar contains an entry for this variant (Variation ID: 1504335). This variant has not been reported in the literature in individuals affected with SLC25A12-related conditions. This variant is not present in population databases (gnomAD no frequency). This sequence change replaces asparagine, which is neutral and polar, with lysine, which is basic and polar, at codon 632 of the SLC25A12 protein (p.Asn632Lys). In summary, the available evidence is currently insufficient to determine the role of this variant in disease. Therefore, it has been classified as a Variant of Uncertain Significance.

NM_003705.5(SLC25A12):c.1896C>A (p.Asn632Lys)

Gene: SLC25A12 (solute carrier family 25 member 12; minus strand). Cytogenetic location: 2q31.1.
Variant type: single nucleotide variant.
Coding change: c.1896C>A on transcript NM_003705.5 (MANE Select); coding-DNA position 1896, C replaced by A.
Protein change: p.Asn632Lys; replaces asparagine 632 with lysine.
Molecular consequence: missense variant. On other transcripts: non-coding transcript variant (1).
Genome position (GRCh38, 1-based): chr2:171,785,415, G>T on the plus strand (C>A on the coding strand, the complement: SLC25A12 is on the minus strand). VCF-style: chr2-171785415-G-T. GRCh37 (hg19) VCF-style: chr2-172641925-G-T.
Other names: short protein forms N632K.
Identifiers: ClinVar variation 1504335 (VCV001504335.6), dbSNP rs2105829539, ClinGen allele CA349287322.